The following is an entry in ClinVar:

ClinVar aggregate classification (germline): Uncertain significance. Review status: criteria provided, multiple submitters, no conflicts (2 of 4 stars). 2 submissions from 2 submitters: Uncertain significance (2). Last evaluated 2025-11-20.

Conditions:
Hereditary cancer-predisposing syndrome. Also called: Hereditary Cancer Syndrome; Hereditary neoplastic syndrome; Neoplastic Syndromes, Hereditary; Tumor predisposition. Identifiers: Orphanet 140162, MedGen C0027672, MeSH D009386, MONDO:0015356.
Familial adenomatous polyposis 1 (FAP1). Also called: FAMILIAL ADENOMATOUS POLYPOSIS 1, ATTENUATED; POLYPOSIS, ADENOMATOUS INTESTINAL. Identifiers: MedGen C2713442, MONDO:0021056, OMIM 175100. Disease mechanism: loss of function.

gnomAD v4.1: 13 of 1,613,098 alleles (0.00081%); highest among the groups gnomAD compares: Non-Finnish European, 0.0011%; no homozygotes.

Submissions (2):

Ambry Genetics
Classification: Uncertain significance for Hereditary cancer-predisposing syndrome. Last evaluated: 2025-11-20. Review status: criteria provided, single submitter. Criteria: Ambry Variant Classification Scheme 2023. Collection method: clinical testing. Allele origin: germline.
Comment: The p.P448T variant (also known as c.1342C>A), located in coding exon 10 of the APC gene, results from a C to A substitution at nucleotide position 1342. The proline at codon 448 is replaced by threonine, an amino acid with highly similar properties. This amino acid position is conserved. In addition, in silico predictors for this gene do not accurately predict pathogenicity. Missense variants in APC are not a common cause of disease (Spier I et al. Genet Med. 2024 Feb;26(2):100992). Based on the available evidence, the clinical significance of this variant remains unclear.

Labcorp Genetics (formerly Invitae), Labcorp
Classification: Uncertain significance for Familial adenomatous polyposis 1. Last evaluated: 2023-10-18. Review status: criteria provided, single submitter. Criteria: Invitae Variant Classification Sherloc (09022015). Collection method: clinical testing. Allele origin: germline.
Comment: This sequence change replaces proline, which is neutral and non-polar, with threonine, which is neutral and polar, at codon 448 of the APC protein (p.Pro448Thr). This variant is not present in population databases (gnomAD no frequency). This variant has not been reported in the literature in individuals affected with APC-related conditions. ClinVar contains an entry for this variant (Variation ID: 1770392). Advanced modeling of protein sequence and biophysical properties (such as structural, functional, and spatial information, amino acid conservation, physicochemical variation, residue mobility, and thermodynamic stability) performed at Invitae indicates that this missense variant is not expected to disrupt APC protein function. In summary, the available evidence is currently insufficient to determine the role of this variant in disease. Therefore, it has been classified as a Variant of Uncertain Significance.

NM_000038.6(APC):c.1342C>A (p.Pro448Thr)

Gene: APC (APC regulator of Wnt signaling pathway; plus strand). Cytogenetic location: 5q22.2.
Variant type: single nucleotide variant.
Coding change: c.1342C>A on transcript NM_000038.6 (MANE Select); coding-DNA position 1342, C replaced by A.
Protein change: p.Pro448Thr; replaces proline 448 with threonine.
Molecular consequence: missense variant.
Genome position (GRCh38, 1-based): chr5:112,821,925, C>A. VCF-style: chr5-112821925-C-A. GRCh37 (hg19) VCF-style: chr5-112157622-C-A.
Other names: c.1342C>A, p.Pro448Thr (NM_001127510.3, NM_001354895.2, NM_001354896.2 and 4 more transcripts); c.1288C>A, p.Pro430Thr (NM_001127511.3); c.1372C>A, p.Pro458Thr (NM_001354897.2, NM_001407446.1); c.1267C>A, p.Pro423Thr (NM_001354898.2, NM_001407451.1); c.1258C>A, p.Pro420Thr (NM_001354899.2, NM_001407452.1); c.1165C>A, p.Pro389Thr (NM_001354900.2, NM_001354901.2, NM_001407453.1); c.1069C>A, p.Pro357Thr (NM_001354902.2); c.1039C>A, p.Pro347Thr (NM_001354903.2, NM_001407454.1, NM_001407455.1 and 5 more transcripts); and 5 more; short protein forms P319T, P347T, P357T, P389T, P420T, P430T, P288T, P165T.
Identifiers: ClinVar variation 1770392 (VCV001770392.6), dbSNP rs374195067, ClinGen allele CA16024244.